The following is an entry in ClinVar:

NM_001379110.1(SLC9A6):c.1380C>T (p.Ser460=)

Gene: SLC9A6 (solute carrier family 9 member A6; plus strand). Cytogenetic location: Xq26.3.
Variant type: single nucleotide variant.
Coding change: c.1380C>T on transcript NM_001379110.1 (MANE Select); coding-DNA position 1380, C replaced by T.
Protein change: p.Ser460=; no amino-acid change (serine 460 retained).
Molecular consequence: synonymous variant.
Genome position (GRCh38, 1-based): chrX:136,024,403, C>T. VCF-style: chrX-136024403-C-T. GRCh37 (hg19) VCF-style: chrX-135106562-C-T.
Other names: NM_001379110.1(SLC9A6):c.1380C>T; p.Ser460=; c.1536C>T, p.Ser512= (NM_001042537.2); c.1380C>T, p.Ser460= (NM_001177651.2); c.1284C>T, p.Ser428= (NM_001330652.2); c.1440C>T, p.Ser480= (NM_006359.3).
Identifiers: ClinVar variation 283536 (VCV000283536.9), dbSNP rs782177396, ClinGen allele CA10524809.

ClinVar aggregate classification (germline): Benign. Review status: reviewed by expert panel (3 of 4 stars). 4 submissions from 4 submitters: Benign (1). 3 of the submissions do not count toward it. Last evaluated 2024-08-30.

Conditions:
Christianson syndrome (MRXSCH). Also called: INTELLECTUAL DEVELOPMENTAL DISORDER, X-LINKED, SYNDROMIC, CHRISTIANSON TYPE; SLC9A6-Related Syndromic Mental Retardation; X-linked mental retardation, syndromic, Christianson type. Identifiers: Orphanet 85278, MedGen C2678194, MONDO:0010278, OMIM 300243.

Allele frequency attached by ClinVar (database versions not stated): gnomAD 0.00001; gnomAD exomes 0.00002; TOPMed 0.00002; ExAC 0.00001.
gnomAD v4.1: 21 of 1,208,001 alleles (0.0017%); highest among the groups gnomAD compares: Middle Eastern, 0.046%; no homozygotes.

Submissions (4):

ClinGen Rett and Angelman-like Disorders Variant Curation Expert Panel
Classification: Benign for Christianson syndrome. Last evaluated: 2024-08-30. Review status: reviewed by expert panel. Criteria: ClinGen RettAS ACMG Specifications SLC9A6 V3.0.0. Collection method: curation. Allele origin: germline. Inheritance: X-linked inheritance.
Comment: The highest population minor allele frequency of the p.Ser460= variant in SLC9A6 in gnomAD v4.1 is 0.0004575 in the Middle Eastern population, which is higher than the ClinGen Rett and Angelman-like Disorders VCEP threshold (≥0.0003) for BA1, and therefore meets this criterion (BA1). The p.Ser460= variant is observed in at least 2 unaffected individuals (internal database - GeneDx) (BS2). In summary, the p.Ser460= variant in SLC9A6 is classified as benign based on the ACMG/AMP criteria (BA1, BS2, BP5).

Labcorp Genetics (formerly Invitae), Labcorp
Classification: Likely benign for Christianson syndrome. Last evaluated: 2022-11-14. Review status: criteria provided, single submitter. Criteria: Invitae Variant Classification Sherloc (09022015). Collection method: clinical testing. Allele origin: germline. Not counted in ClinVar's aggregate classification.

GeneDx
Classification: Likely benign. Last evaluated: 2017-01-26. Review status: criteria provided, single submitter. Criteria: GeneDx Variant Classification (06012015). Collection method: clinical testing. Allele origin: germline. Affected: yes. Not counted in ClinVar's aggregate classification.
Comment: This variant is considered likely benign or benign based on one or more of the following criteria: it is a conservative change, it occurs at a poorly conserved position in the protein, it is predicted to be benign by multiple in silico algorithms, and/or has population frequency not consistent with disease.

Eurofins Ntd Llc (ga)
Classification: Uncertain significance. Last evaluated: 2015-09-28. Review status: criteria provided, single submitter. Criteria: EGL Classification Definitions 2015. Collection method: clinical testing. Allele origin: germline. Observed: 1 variant allele, 1 heterozygote. Not counted in ClinVar's aggregate classification.